The following is an entry in ClinVar:

ClinVar aggregate classification (germline): Uncertain significance. Review status: criteria provided, multiple submitters, no conflicts (2 of 4 stars). 2 submissions from 2 submitters: Uncertain significance (2). Last evaluated 2025-09-09.

Conditions:
Inborn genetic diseases. Identifiers: MedGen C0950123, MeSH D030342.

gnomAD v4.1: 34 of 1,610,936 alleles (0.0021%); highest among the groups gnomAD compares: South Asian, 0.021%; no homozygotes.

Submissions (2):

Ambry Genetics
Classification: Uncertain significance for Inborn genetic diseases. Last evaluated: 2025-09-09. Review status: criteria provided, single submitter. Criteria: Ambry Variant Classification Scheme 2023. Collection method: clinical testing. Allele origin: germline.

Labcorp Genetics (formerly Invitae), Labcorp
Classification: Uncertain significance. Last evaluated: 2022-02-08. Review status: criteria provided, single submitter. Criteria: Invitae Variant Classification Sherloc (09022015). Collection method: clinical testing. Allele origin: germline.
Comment: This sequence change replaces arginine, which is basic and polar, with cysteine, which is neutral and slightly polar, at codon 700 of the CDH23 protein (p.Arg700Cys). This variant is present in population databases (rs776179827, gnomAD 0.03%). This variant has not been reported in the literature in individuals affected with CDH23-related conditions. Algorithms developed to predict the effect of missense changes on protein structure and function are either unavailable or do not agree on the potential impact of this missense change (SIFT: "Deleterious"; PolyPhen-2: "Not Available"; Align-GVGD: "Class C65"). In summary, the available evidence is currently insufficient to determine the role of this variant in disease. Therefore, it has been classified as a Variant of Uncertain Significance.

NM_022124.6(CDH23):c.2098C>T (p.Arg700Cys)

Gene: CDH23 (cadherin related 23; plus strand). Cytogenetic location: 10q22.1.
Variant type: single nucleotide variant.
Coding change: c.2098C>T on transcript NM_022124.6 (MANE Select); coding-DNA position 2098, C replaced by T.
Protein change: p.Arg700Cys; replaces arginine 700 with cysteine.
Molecular consequence: missense variant.
Genome position (GRCh38, 1-based): chr10:71,690,506, C>T. VCF-style: chr10-71690506-C-T. GRCh37 (hg19) VCF-style: chr10-73450263-C-T.
Other names: c.2098C>T (NM_022124.5); c.2098C>T, p.Arg700Cys (NM_001171930.2, NM_001171931.2); short protein forms R700C.
Identifiers: ClinVar variation 1980410 (VCV001980410.2), dbSNP rs776179827, ClinGen allele CA5544090.